The following is an entry in ClinVar:

ClinVar aggregate classification (germline): Uncertain significance (1 of 4 stars; one submission).

Conditions:
Early-infantile DEE. Also called: Early infantile epileptic encephalopathy; Ohtahara syndrome; Early infantile epileptic encephalopathy with suppression bursts. Identifiers: Orphanet 1934, MedGen C0393706, MONDO:0800491.

Allele frequency attached by ClinVar (database versions not stated): gnomAD exomes below 0.00001; gnomAD 0.00001.
gnomAD v4.1: 2 of 1,614,152 alleles (0.00012%); highest among the groups gnomAD compares: Non-Finnish European, 0.00017%; no homozygotes.

Submission:

Labcorp Genetics (formerly Invitae), Labcorp
Classification: Uncertain significance for Early-infantile DEE. Last evaluated: 2025-01-19. Review status: criteria provided, single submitter. Criteria: Invitae Variant Classification Sherloc (09022015). Collection method: clinical testing. Allele origin: germline.
Comment: This sequence change replaces leucine, which is neutral and non-polar, with valine, which is neutral and non-polar, at codon 108 of the SPTAN1 protein (p.Leu108Val). This variant is not present in population databases (gnomAD no frequency). This variant has not been reported in the literature in individuals affected with SPTAN1-related conditions. ClinVar contains an entry for this variant (Variation ID: 1433840). Invitae Evidence Modeling of protein sequence and biophysical properties (such as structural, functional, and spatial information, amino acid conservation, physicochemical variation, residue mobility, and thermodynamic stability) has been performed for this missense variant. However, the output from this modeling did not meet the statistical confidence thresholds required to predict the impact of this variant on SPTAN1 protein function. In summary, the available evidence is currently insufficient to determine the role of this variant in disease. Therefore, it has been classified as a Variant of Uncertain Significance.

NM_001130438.3(SPTAN1):c.322C>G (p.Leu108Val)

Gene: SPTAN1 (spectrin alpha, non-erythrocytic 1; plus strand). Cytogenetic location: 9q34.11.
Variant type: single nucleotide variant.
Coding change: c.322C>G on transcript NM_001130438.3 (MANE Select); coding-DNA position 322, C replaced by G.
Protein change: p.Leu108Val; replaces leucine 108 with valine.
Molecular consequence: missense variant.
Genome position (GRCh38, 1-based): chr9:128,568,856, C>G. VCF-style: chr9-128568856-C-G. GRCh37 (hg19) VCF-style: chr9-131331135-C-G.
Other names: c.322C>G, p.Leu108Val (NM_001195532.2, NM_001363759.2, NM_001363765.2 and 5 more transcripts); c.358C>G, p.Leu120Val (NM_001375312.2, NM_001375318.1); short protein forms L120V, L108V.
Identifiers: ClinVar variation 1433840 (VCV001433840.7), dbSNP rs2130860508, ClinGen allele CA375051092.